The following is an entry in ClinVar:

ClinVar aggregate classification (germline): Uncertain significance (1 of 4 stars; one submission).

Submission:

CeGaT Center for Human Genetics Tuebingen
Classification: Uncertain significance. Last evaluated: 2022-03-01. Review status: criteria provided, single submitter. Criteria: CeGaT Center For Human Genetics Tuebingen Variant Classification Criteria Version 2. Collection method: clinical testing. Allele origin: germline. Affected: yes. Observed: 1 variant allele.
Comment: RNF213: PM2, BP4

NM_001256071.3(RNF213):c.12575A>G (p.Asn4192Ser)

Genes: RNF213 (ring finger protein 213; plus strand), RNF213-AS1 (RNF213 antisense RNA 1; minus strand), LOC126862663 (BRD4-independent group 4 enhancer GRCh37_chr17:78345568-78346767; plus strand). Cytogenetic location: 17q25.3.
Variant type: single nucleotide variant.
Coding change: c.12575A>G on transcript NM_001256071.3 (MANE Select); coding-DNA position 12575, A replaced by G.
Protein change: p.Asn4192Ser; replaces asparagine 4192 with serine.
Molecular consequence: missense variant.
Genome position (GRCh38, 1-based): chr17:80,372,558, A>G. VCF-style: chr17-80372558-A-G. GRCh37 (hg19) VCF-style: chr17-78346358-A-G.
Other names: c.12722A>G, p.Asn4241Ser (NM_001410195.1, NM_020914.5); short protein forms N4192S, N4241S.
Identifiers: ClinVar variation 2648426 (VCV002648426.24), dbSNP rs1462433102, ClinGen allele CA401410322.
Genomic context (GRCh38, chr17:80,372,558, plus strand): 5'-CTTTCTTGTTCCTTGTTCCTCAGGATTCAATACTTGAGAAGACCAGTGCTTACTCCAGAA[A>G]TGATGAACTGAACCACCTAGAAGAGGAAGGTCGTTTCCTTAAGGCATATTCTCCAGCAAG-3'
Protein context (NP_001243000.2, residues 4182-4202): ILEKTSAYSR[Asn4192Ser]DELNHLEEEG